The following is an entry in ClinVar:

NM_000548.5(TSC2):c.*1G>C

Gene: TSC2 (TSC complex subunit 2; plus strand). Cytogenetic location: 16p13.3.
Variant type: single nucleotide variant.
Coding change: c.*1G>C on transcript NM_000548.5 (MANE Select); 1 bases downstream of the stop codon, G replaced by C.
Molecular consequence: 3 prime UTR variant. On other transcripts: non-coding transcript variant (5).
Genome position (GRCh38, 1-based): chr16:2,088,611, G>C. VCF-style: chr16-2088611-G-C. GRCh37 (hg19) VCF-style: chr16-2138612-G-C.
Other names: c.*1G>C (NM_001077183.3, NM_001114382.3, NM_001318827.2 and 39 more transcripts).
Identifiers: ClinVar variation 4071031 (VCV004071031.2).
Genomic context (GRCh38, chr16:2,088,611, plus strand): 5'-GAGGTGGGCCAGCGGAAGCGCCTCATCTCCTCGGTGGAGGACTTCACCGAGTTTGTGTGA[G>C]GCCGGGGCCCTCCCTCCTGCACTGGCCTTGGACGGTATTGCCTGTCAGTGAAATAAATAA-3'

ClinVar aggregate classification (germline): Benign/Likely benign. Review status: criteria provided, multiple submitters, no conflicts (2 of 4 stars). 2 submissions from 2 submitters: Benign (1); Likely benign (1). Last evaluated 2025-06-09.

Conditions:
Tuberous sclerosis 2 (TSC2). Identifiers: Orphanet 805, MedGen C1860707, MONDO:0013199, OMIM 613254.

Submissions (2):

Myriad Genetics, Inc.
Classification: Benign for Tuberous sclerosis 2. Last evaluated: 2025-06-09. Review status: criteria provided, single submitter. Criteria: Myriad Autosomal Dominant, Autosomal Recessive and X-Linked Classification Criteria (2023). Collection method: clinical testing. Allele origin: unknown.
Comment: This variant is considered benign. This variant occurs in the non-coding 3' untranslated region of the gene, and is not expected to impact protein function.

Blueprint Genetics
Classification: Likely benign. Last evaluated: 2021-12-16. Review status: criteria provided, single submitter. Criteria: ACMG Guidelines, 2015. Collection method: clinical testing. Allele origin: germline.